The following is an entry in ClinVar:

ClinVar aggregate classification (germline): Uncertain significance (1 of 4 stars; one submission).

Conditions:
Severe hypotonia-psychomotor developmental delay-strabismus-cardiac septal defect syndrome. Also called: Hypotonia, infantile, with psychomotor retardation. Identifiers: Orphanet 467176, MedGen C4225196, MONDO:0014784, OMIM 616816.

Allele frequency attached by ClinVar (database versions not stated): TOPMed 0.00002.

Submission:

Baylor Genetics
Classification: Uncertain significance for Severe hypotonia-psychomotor developmental delay-strabismus-cardiac septal defect syndrome. Last evaluated: 2019-09-10. Review status: criteria provided, single submitter. Criteria: ACMG Guidelines, 2015. Collection method: clinical testing. Allele origin: unknown. Affected: yes.
Comment: This variant was determined to be of uncertain significance according to ACMG Guidelines, 2015 [PMID:25741868].

NM_016474.5(CCDC174):c.521G>T (p.Arg174Leu)

Gene: CCDC174 (coiled-coil domain containing 174; plus strand). Cytogenetic location: 3p25.1.
Variant type: single nucleotide variant.
Coding change: c.521G>T on transcript NM_016474.5 (MANE Select); coding-DNA position 521, G replaced by T.
Protein change: p.Arg174Leu; replaces arginine 174 with leucine.
Molecular consequence: missense variant. On other transcripts: non-coding transcript variant (1).
Genome position (GRCh38, 1-based): chr3:14,665,063, G>T. VCF-style: chr3-14665063-G-T. GRCh37 (hg19) VCF-style: chr3-14706570-G-T.
Other names: short protein forms R174L.
Identifiers: ClinVar variation 1029606 (VCV001029606.1), dbSNP rs138052160, ClinGen allele CA70502542.